The following is an entry in ClinVar:

ClinVar aggregate classification (germline): Uncertain significance. Review status: criteria provided, multiple submitters, no conflicts (2 of 4 stars). 4 submissions from 4 submitters: Uncertain significance (4). Last evaluated 2025-09-23.

Conditions:
DNA ligase IV deficiency. Identifiers: Orphanet 99812, MedGen C1847827, MONDO:0011686, OMIM 606593.
Multiple myeloma (MM). Also called: Plasma cell myeloma; Multiple myeloma, somatic. Identifiers: Orphanet 29073, Orphanet 85443, MedGen C0026764, MeSH D009101, MONDO:0009693, OMIM 254500, HP:0006775.

Allele frequency attached by ClinVar (database versions not stated): gnomAD 0.00005; gnomAD exomes 0.00006; TOPMed 0.00006; ExAC 0.00007; ESP Exome Variant Server 0.00008.

Submissions (4):

Mayo Clinic Laboratories, Mayo Clinic
Classification: Uncertain significance. Last evaluated: 2025-09-23. Review status: criteria provided, single submitter. Criteria: ACMG Guidelines, 2015. Collection method: clinical testing. Allele origin: germline. Observed: 2 variant alleles.
Comment: BP4_moderate

Labcorp Genetics (formerly Invitae), Labcorp
Classification: Uncertain significance for DNA ligase IV deficiency. Last evaluated: 2022-08-06. Review status: criteria provided, single submitter. Criteria: Invitae Variant Classification Sherloc (09022015). Collection method: clinical testing. Allele origin: germline.
Comment: This sequence change replaces methionine, which is neutral and non-polar, with isoleucine, which is neutral and non-polar, at codon 127 of the LIG4 protein (p.Met127Ile). This variant is present in population databases (rs61752350, gnomAD 0.01%). This variant has not been reported in the literature in individuals affected with LIG4-related conditions. ClinVar contains an entry for this variant (Variation ID: 844759). Algorithms developed to predict the effect of missense changes on protein structure and function (SIFT, PolyPhen-2, Align-GVGD) all suggest that this variant is likely to be tolerated. In summary, the available evidence is currently insufficient to determine the role of this variant in disease. Therefore, it has been classified as a Variant of Uncertain Significance.

Fulgent Genetics
Classification: Uncertain significance for Multiple myeloma; DNA ligase IV deficiency. Last evaluated: 2022-03-29. Review status: criteria provided, single submitter. Criteria: ACMG Guidelines, 2015. Collection method: clinical testing. Allele origin: unknown.

Breakthrough Genomics
Classification: Uncertain significance. Review status: criteria provided, single submitter. Criteria: ACMG Guidelines, 2015. Collection method: not provided. Allele origin: germline. Inheritance: Autosomal recessive inheritance. Affected: yes.

NM_206937.2(LIG4):c.381G>C (p.Met127Ile)

Gene: LIG4 (DNA ligase 4; minus strand). Cytogenetic location: 13q33.3.
Variant type: single nucleotide variant.
Coding change: c.381G>C on transcript NM_206937.2 (MANE Select); coding-DNA position 381, G replaced by C.
Protein change: p.Met127Ile; replaces methionine 127 with isoleucine.
Molecular consequence: missense variant.
Genome position (GRCh38, 1-based): chr13:108,210,888, C>G on the plus strand (G>C on the coding strand, the complement: LIG4 is on the minus strand). VCF-style: chr13-108210888-C-G. GRCh37 (hg19) VCF-style: chr13-108863236-C-G.
Other names: p.Met127Ile; c.381G>C, p.Met127Ile (NM_001098268.2, NM_001352598.2, NM_001352599.2 and 6 more transcripts); c.180G>C, p.Met60Ile (NM_001330595.2); c.417G>C, p.Met139Ile (NM_001352604.2); short protein forms M60I, M127I, M139I.
Identifiers: ClinVar variation 844759 (VCV000844759.6), dbSNP rs61752350, ClinGen allele CA7043848.